The following is an entry in ClinVar:

NM_000368.5(TSC1):c.860A>G (p.His287Arg)

Gene: TSC1 (TSC complex subunit 1; minus strand). Cytogenetic location: 9q34.13.
Variant type: single nucleotide variant.
Coding change: c.860A>G on transcript NM_000368.5 (MANE Select); coding-DNA position 860, A replaced by G.
Protein change: p.His287Arg; replaces histidine 287 with arginine.
Molecular consequence: missense variant.
Genome position (GRCh38, 1-based): chr9:132,912,335, T>C on the plus strand (A>G on the coding strand, the complement: TSC1 is on the minus strand). VCF-style: chr9-132912335-T-C. GRCh37 (hg19) VCF-style: chr9-135787722-T-C.
Other names: c.860A>G, p.His287Arg (NM_001162426.2, NM_001406592.1, NM_001406593.1 and 16 more transcripts); c.707A>G, p.His236Arg (NM_001162427.2, NM_001406610.1, NM_001406611.1 and 2 more transcripts); c.497A>G, p.His166Arg (NM_001362177.2, NM_001406614.1, NM_001406615.1 and 10 more transcripts); c.-92A>G (NM_001406626.1, NM_001406627.1, NM_001406628.1); c.-234A>G (NM_001406629.1, NM_001406630.1); short protein forms H166R, H236R, H287R.
Identifiers: ClinVar variation 1764032 (VCV001764032.2), dbSNP rs2131997485, ClinGen allele CA375369204.

ClinVar aggregate classification (germline): Uncertain significance (1 of 4 stars; one submission).

Conditions:
Hereditary cancer-predisposing syndrome. Also called: Neoplastic Syndromes, Hereditary; Tumor predisposition; Hereditary Cancer Syndrome; Hereditary neoplastic syndrome. Identifiers: Orphanet 140162, MedGen C0027672, MeSH D009386, MONDO:0015356.

Submission:

Ambry Genetics
Classification: Uncertain significance for Hereditary cancer-predisposing syndrome. Last evaluated: 2022-04-23. Review status: criteria provided, single submitter. Criteria: Ambry Variant Classification Scheme 2023. Collection method: clinical testing. Allele origin: germline.
Comment: The p.H287R variant (also known as c.860A>G), located in coding exon 7 of the TSC1 gene, results from an A to G substitution at nucleotide position 860. The histidine at codon 287 is replaced by arginine, an amino acid with highly similar properties. This amino acid position is conserved. In addition, this alteration is predicted to be tolerated by in silico analysis. Since supporting evidence is limited at this time, the clinical significance of this alteration remains unclear.